The following is an entry in ClinVar:

NM_001083116.3(PRF1):c.904G>T (p.Glu302Ter)

Gene: PRF1 (perforin 1; minus strand). Cytogenetic location: 10q22.1.
Variant type: single nucleotide variant.
Coding change: c.904G>T on transcript NM_001083116.3 (MANE Select); coding-DNA position 904, G replaced by T.
Protein change: p.Glu302Ter; replaces glutamic acid 302 with a stop codon.
Molecular consequence: nonsense.
Genome position (GRCh38, 1-based): chr10:70,598,817, C>A on the plus strand (G>T on the coding strand, the complement: PRF1 is on the minus strand). VCF-style: chr10-70598817-C-A. GRCh37 (hg19) VCF-style: chr10-72358573-C-A.
Other names: c.904G>T, p.Glu302Ter (NM_005041.6); short protein forms E302*.
Identifiers: ClinVar variation 2982288 (VCV002982288.5), dbSNP rs1848174771, ClinGen allele CA376957944.

ClinVar aggregate classification (germline): Pathogenic/Likely pathogenic. Review status: criteria provided, multiple submitters, no conflicts (2 of 4 stars). 3 submissions from 3 submitters: Pathogenic (1); Likely pathogenic (1). 1 of the submissions does not count toward it. Last evaluated 2025-05-13.

Conditions:
Familial hemophagocytic lymphohistiocytosis 2 (FHL2). Also called: PRF1-Related Familial Hemophagocytic Lymphohistiocytosis (PRF1-fHLH). Identifiers: Orphanet 540, MedGen C1863727, MONDO:0011337, OMIM 603553.
PRF1-related disorder. Also called: PRF1-related condition.

Submissions (3):

Labcorp Genetics (formerly Invitae), Labcorp
Classification: Pathogenic for Familial hemophagocytic lymphohistiocytosis 2. Last evaluated: 2025-05-13. Review status: criteria provided, single submitter. Criteria: Invitae Variant Classification Sherloc (09022015). Collection method: clinical testing. Allele origin: germline.
Comment: This sequence change creates a premature translational stop signal (p.Glu302*) in the PRF1 gene. While this is not anticipated to result in nonsense mediated decay, it is expected to disrupt the last 254 amino acid(s) of the PRF1 protein. This variant is not present in population databases (gnomAD no frequency). This premature translational stop signal has been observed in individual(s) with clinical features of hemophagocytic lymphohistiocytosis (PMID: 32542393). ClinVar contains an entry for this variant (Variation ID: 2982288). Algorithms developed to predict the effect of sequence changes on RNA splicing suggest that this variant may create or strengthen a splice site. This variant disrupts a region of the PRF1 protein in which other variant(s) (p.Asp491Asn) have been determined to be pathogenic (PMID: 17477373, 25577959, 33746956). This suggests that this is a clinically significant region of the protein, and that variants that disrupt it are likely to be disease-causing. For these reasons, this variant has been classified as Pathogenic.

GeneDx
Classification: Likely pathogenic. Last evaluated: 2023-06-16. Review status: criteria provided, single submitter. Criteria: GeneDx Variant Classification Process June 2021. Collection method: clinical testing. Allele origin: germline. Affected: yes.
Comment: Nonsense variant predicted to result in protein truncation, as the last 254 amino acids are lost, and other loss-of-function variants have been reported downstream in HGMD; Not observed at significant frequency in large population cohorts (gnomAD); This variant is associated with the following publications: (PMID: 32542393)

PreventionGenetics, part of Exact Sciences
Classification: Pathogenic for PRF1-related condition. Last evaluated: 2023-10-19. Review status: no assertion criteria provided. Collection method: clinical testing. Allele origin: germline. Not counted in ClinVar's aggregate classification.
Comment: The PRF1 c.904G>T variant is predicted to result in premature protein termination (p.Glu302*). This variant has been reported in the homozygous state in an individual with hemophagocytic lymphohistiocytosis (Gadoury-Levesque et al. 2020. PubMed ID: 32542393). This variant has not been reported in a large population database, indicating this variant is rare. Nonsense variants in PRF1 are expected to be pathogenic. This variant is interpreted as pathogenic.

Literature cited by the submitters: PubMed 32542393 (cited by Labcorp Genetics (formerly Invitae), Labcorp); PubMed 17477373 (cited by Labcorp Genetics (formerly Invitae), Labcorp); PubMed 25577959 (cited by Labcorp Genetics (formerly Invitae), Labcorp); PubMed 33746956 (cited by Labcorp Genetics (formerly Invitae), Labcorp).